The following is an entry in ClinVar:

ClinVar aggregate classification (germline): Pathogenic (0 of 4 stars; one submission).

Conditions:
Angelman syndrome (AS). Also called: HAPPY PUPPET SYNDROME. Identifiers: Orphanet 72, MedGen C0162635, MONDO:0007113, OMIM 105830. Disease mechanism: loss of function. Inheritance: AS is caused by disruption of maternally imprinted UBE3A located within the 15q11.2-q13 Angelman syndrome/Prader-Willi syndrome (AS/PWS) region., imprinting disorder.

Submission:

Baylor Genetics
Classification: Pathogenic for Angelman Syndrome. Last evaluated: 2014-02-14. Review status: no assertion criteria provided. Collection method: clinical testing. Allele origin: germline. Affected: yes. Observed: 1 variant allele. Study: UBE3A Mutation Study.
Comment: Data collected from clinical UBE3A sequence analysis results

Literature cited by the submitters: PubMed 25212744.

NM_130839.5(UBE3A):c.2349dup (p.Ile784fs)

Genes: SNHG14 (small nucleolar RNA host gene 14; plus strand), UBE3A (ubiquitin protein ligase E3A; minus strand). Cytogenetic location: 15q11.2.
Variant type: Duplication.
Coding change: c.2349dup on transcript NM_130839.5 (MANE Select); coding-DNA position 2349, one base duplicated (G; older notation c.2349dupG).
Protein change: p.Ile784fs; shifts the reading frame from isoleucine 784.
Molecular consequence: frameshift variant. On other transcripts: non-coding transcript variant (1).
Genome position (GRCh38, 1-based): chr15:25,354,358, C duplicated on the plus strand (G on the coding strand, the reverse complement: UBE3A is on the minus strand). VCF-style (leftmost placement, unchanged base first): chr15-25354357-T-TC. GRCh37 (hg19) VCF-style: chr15-25599504-T-TC.
Other names: c.2358dup, p.Ile787fs (NM_000462.5); c.2349dup, p.Ile784fs (NM_001354505.1, NM_001354538.2); c.2289dup, p.Ile764fs (NM_001354506.2, NM_001354507.2, NM_001354508.2 and 14 more transcripts); c.2193dup, p.Ile732fs (NM_001354545.2); c.2172dup, p.Ile725fs (NM_001354546.2); c.2133dup, p.Ile712fs (NM_001354547.2, NM_001354548.2); c.2124dup, p.Ile709fs (NM_001354549.2); c.1098dup, p.Ile367fs (NM_001354550.2); and 1 more; short protein forms I347fs, I709fs, I725fs, I764fs, I732fs, I787fs, I367fs, I712fs.
Identifiers: ClinVar variation 155974 (VCV000155974.1), dbSNP rs587781223, ClinGen allele CA333351.